The following is an entry in ClinVar:

NM_022455.5(NSD1):c.5416T>A (p.Trp1806Arg)

Genes: NSD1 (nuclear receptor binding SET domain protein 1; plus strand), LOC126807619 (MED14-independent group 3 enhancer GRCh37_chr5:176696443-176697642; plus strand). Cytogenetic location: 5q35.3.
Variant type: single nucleotide variant.
Coding change: c.5416T>A on transcript NM_022455.5 (MANE Select); coding-DNA position 5416, T replaced by A.
Protein change: p.Trp1806Arg; replaces tryptophan 1806 with arginine.
Molecular consequence: missense variant.
Genome position (GRCh38, 1-based): chr5:177,269,714, T>A. VCF-style: chr5-177269714-T-A. GRCh37 (hg19) VCF-style: chr5-176696715-T-A.
Other names: c.4543T>A, p.Trp1515Arg (NM_001365684.2, NM_001409308.1, NM_001409309.1 and 1 more transcripts); c.5416T>A, p.Trp1806Arg (NM_001409301.1, NM_001409302.1, NM_001409303.1); c.4996T>A, p.Trp1666Arg (NM_001409304.1); c.4663T>A, p.Trp1555Arg (NM_001409305.1); c.4654T>A, p.Trp1552Arg (NM_001409306.1, NM_001409307.1); short protein forms W1515R, W1552R, W1555R, W1666R, W1806R.
Identifiers: ClinVar variation 4879437 (VCV004879437.1).

ClinVar aggregate classification (germline): Likely pathogenic (1 of 4 stars; one submission).

Conditions:
Sotos syndrome (SOTOS). Also called: Distinctive facial appearance, overgrowth in childhood, and learning disabilities or delayed development; CHROMOSOME 5q35 DELETION SYNDROME; SOTOS SYNDROME 1; CEREBRAL GIGANTISM; Sotos' syndrome. Identifiers: Orphanet 821, MedGen C0175695, MONDO:0019349, OMIM 117550.

Submission:

Institute of Human Genetics, University of Leipzig Medical Center
Classification: Likely pathogenic for Sotos syndrome. Last evaluated: 2026-06-09. Review status: criteria provided, single submitter. Criteria: ACMG Guidelines, 2015. Collection method: clinical testing. Allele origin: unknown. Inheritance: Autosomal dominant inheritance. Affected: yes.
Comment: Criteria applied: PM2,PM5,PP2,PP3